The following is an entry in ClinVar:

ClinVar aggregate classification (germline): Pathogenic (1 of 4 stars; one submission).

Conditions:
Peroxisome biogenesis disorder 2B (PBD2B). Identifiers: Orphanet 44, MedGen C3550234, MONDO:0008736, OMIM 202370.

Submission:

Labcorp Genetics (formerly Invitae), Labcorp
Classification: Pathogenic for Peroxisome biogenesis disorder 2B. Last evaluated: 2024-02-18. Review status: criteria provided, single submitter. Criteria: Invitae Variant Classification Sherloc (09022015). Collection method: clinical testing. Allele origin: germline.
Comment: This sequence change creates a premature translational stop signal (p.Glu328*) in the PEX5 gene. It is expected to result in an absent or disrupted protein product. Loss-of-function variants in PEX5 are known to be pathogenic (PMID: 18712838, 21031596). This variant is not present in population databases (gnomAD no frequency). This variant has not been reported in the literature in individuals affected with PEX5-related conditions. For these reasons, this variant has been classified as Pathogenic.

Literature cited by the submitters: PubMed 18712838; PubMed 21031596.

NM_001351132.2(PEX5):c.982G>T (p.Glu328Ter)

Gene: PEX5 (peroxisomal biogenesis factor 5; plus strand). Cytogenetic location: 12p13.31.
Variant type: single nucleotide variant.
Coding change: c.982G>T on transcript NM_001351132.2 (MANE Select); coding-DNA position 982, G replaced by T.
Protein change: p.Glu328Ter; replaces glutamic acid 328 with a stop codon.
Molecular consequence: nonsense.
Genome position (GRCh38, 1-based): chr12:7,207,674, G>T. VCF-style: chr12-7207674-G-T. GRCh37 (hg19) VCF-style: chr12-7360270-G-T.
Other names: c.871G>T, p.Glu291Ter (NM_001374645.1, NM_001374646.1, NM_001374648.2 and 7 more transcripts); c.982G>T, p.Glu328Ter (NM_001374647.2, NM_001131025.2, NM_001131026.2 and 4 more transcripts); c.847G>T, p.Glu283Ter (NM_001374649.2, NM_001351139.2, NM_001351140.2); c.958G>T, p.Glu320Ter (NM_000319.5); c.1027G>T, p.Glu343Ter (NM_001131023.2); c.916G>T, p.Glu306Ter (NM_001351135.3, NM_001351138.2); c.973G>T, p.Glu325Ter (NM_001351136.2); short protein forms E306*, E328*, E291*, E325*, E343*, E283*, E320*.
Identifiers: ClinVar variation 3641216 (VCV003641216.2).